The following is an entry in ClinVar:

ClinVar aggregate classification (germline): Uncertain significance (1 of 4 stars; one submission).

Submission:

Laboratory for Molecular Medicine, Mass General Brigham Personalized Medicine
Classification: Uncertain significance. Last evaluated: 2012-01-03. Review status: criteria provided, single submitter. Criteria: LMM Criteria. Collection method: clinical testing. Allele origin: germline. Observed: 1 variant allele.
Comment: The Met1766Val variant (MYH6) has not been previously reported nor previously id entified by our laboratory. Methionine (Met) at position 1766 is highly conserve d across mammals and other evolutionarily distant species, increasing the likeli hood that a change would not be tolerated. Computational predictions on the impa ct to the protein are mixed (PolyPhen2 = benign, SIFT = pathogenic), though the accuracy of these tools is unknown. Additional information is needed to fully as sess the clinical significance of the Met1766Val variant.

Literature cited by the submitters: PubMed 20656787.

NM_002471.4(MYH6):c.5296A>G (p.Met1766Val)

Gene: MYH6 (myosin heavy chain 6; minus strand). Cytogenetic location: 14q11.2.
Variant type: single nucleotide variant.
Coding change: c.5296A>G on transcript NM_002471.4 (MANE Select); coding-DNA position 5296, A replaced by G.
Protein change: p.Met1766Val; replaces methionine 1766 with valine.
Molecular consequence: missense variant.
Genome position (GRCh38, 1-based): chr14:23,384,711, T>C on the plus strand (A>G on the coding strand, the complement: MYH6 is on the minus strand). VCF-style: chr14-23384711-T-C. GRCh37 (hg19) VCF-style: chr14-23853920-T-C.
Other names: short protein forms M1766V.
Identifiers: ClinVar variation 44534 (VCV000044534.4), dbSNP rs397516776, ClinGen allele CA134469.